The following is an entry in ClinVar:

NM_001042492.3(NF1):c.7996A>G (p.Asn2666Asp)

Gene: NF1 (neurofibromin 1; plus strand). Cytogenetic location: 17q11.2.
Variant type: single nucleotide variant.
Coding change: c.7996A>G on transcript NM_001042492.3 (MANE Select); coding-DNA position 7996, A replaced by G.
Protein change: p.Asn2666Asp; replaces asparagine 2666 with aspartic acid.
Molecular consequence: missense variant.
Genome position (GRCh38, 1-based): chr17:31,358,505, A>G. VCF-style: chr17-31358505-A-G. GRCh37 (hg19) VCF-style: chr17-29685523-A-G.
Other names: c.7933A>G, p.Asn2645Asp (NM_000267.4); short protein forms N2645D, N2666D.
Identifiers: ClinVar variation 480161 (VCV000480161.5), dbSNP rs1555536888, ClinGen allele CA399203639.

ClinVar aggregate classification (germline): Uncertain significance (1 of 4 stars; one submission).

Conditions:
Hereditary cancer-predisposing syndrome. Also called: Hereditary Cancer Syndrome; Neoplastic Syndromes, Hereditary; Tumor predisposition; Hereditary neoplastic syndrome. Identifiers: Orphanet 140162, MedGen C0027672, MeSH D009386, MONDO:0015356.
Cardiovascular phenotype. Identifiers: MedGen CN230736.

Allele frequency attached by ClinVar (database versions not stated): gnomAD exomes below 0.00001.
gnomAD v4.1: 1 of 1,613,818 alleles (0.000062%); highest among the groups gnomAD compares: Non-Finnish European, 0.000085%; no homozygotes.

Submission:

Ambry Genetics
Classification: Uncertain significance for Cardiovascular phenotype; Hereditary cancer-predisposing syndrome. Last evaluated: 2016-09-26. Review status: criteria provided, single submitter. Criteria: Ambry Variant Classification Scheme 2023. Collection method: clinical testing. Allele origin: germline.
Comment: The p.N2645D variant (also known as c.7933A>G), located in coding exon 54 of the NF1 gene, results from an A to G substitution at nucleotide position 7933. The asparagine at codon 2645 is replaced by aspartic acid, an amino acid with highly similar properties. This variant was not reported in population based cohorts in the following databases: Database of Single Nucleotide Polymorphisms (dbSNP), NHLBI Exome Sequencing Project (ESP), and 1000 Genomes Project. In the ESP, this variant was not observed in 6503 samples (13006 alleles) with coverage at this position. To date, this alteration has been detected with an allele frequency of approximately 0.001% (greater than 175000 alleles tested) in our clinical cohort. This amino acid position is well conserved in available vertebrate species. In addition, this alteration is predicted to be tolerated by in silico analysis. Since supporting evidence is limited at this time, the clinical significance of this alteration remains unclear.